The following is an entry in ClinVar:

ClinVar aggregate classification (germline): Likely benign (1 of 4 stars; one submission).

Conditions:
PKD1L1-related disorder. Also called: PKD1L1-related condition.

Submission:

PreventionGenetics, part of Exact Sciences
Classification: Likely benign for PKD1L1-related condition. Last evaluated: 2025-03-31. Review status: criteria provided, single submitter. Criteria: ACMG Guidelines, 2015. Collection method: clinical testing. Allele origin: germline.
Comment: This variant is classified as likely benign based on ACMG/AMP sequence variant interpretation guidelines (Richards et al. 2015 PMID: 25741868, with internal and published modifications).

NM_138295.5(PKD1L1):c.161-6dup

Gene: PKD1L1 (polycystin 1 like 1, transient receptor potential channel interacting; minus strand). Cytogenetic location: 7p12.3.
Variant type: Duplication.
Coding change: c.161-6dup on transcript NM_138295.5 (MANE Select); 6 bases into the intron before coding-DNA position 161, one base duplicated (C; older notation c.161-6dupC).
Molecular consequence: intron variant.
Genome position (GRCh38, 1-based): chr7:47,940,323, G duplicated on the plus strand (C on the coding strand, the reverse complement: PKD1L1 is on the minus strand). VCF-style (leftmost placement, unchanged base first): chr7-47940322-A-AG. GRCh37 (hg19) VCF-style: chr7-47979919-A-AG.
Identifiers: ClinVar variation 4986294 (VCV004986294.1).